The following is an entry in ClinVar:

NM_002839.4(PTPRD):c.4161G>A (p.Ala1387=)

Gene: PTPRD (protein tyrosine phosphatase receptor type D; minus strand). Cytogenetic location: 9p24.1.
Variant type: single nucleotide variant.
Coding change: c.4161G>A on transcript NM_002839.4 (MANE Select); coding-DNA position 4161, G replaced by A.
Protein change: p.Ala1387=; no amino-acid change (alanine 1387 retained).
Molecular consequence: synonymous variant.
Genome position (GRCh38, 1-based): chr9:8,404,586, C>T on the plus strand (G>A on the coding strand, the complement: PTPRD is on the minus strand). VCF-style: chr9-8404586-C-T. GRCh37 (hg19) VCF-style: chr9-8404586-C-T.
Other names: c.2931G>A, p.Ala977= (NM_001040712.2); c.2940G>A, p.Ala980= (NM_001171025.2, NM_130391.4); c.2952G>A, p.Ala984= (NM_001377946.1); c.2922G>A, p.Ala974= (NM_001377947.1); c.4221G>A, p.Ala1407= (NM_001377958.1); c.4176G>A, p.Ala1392= (NM_001378058.1); c.2943G>A, p.Ala981= (NM_130392.3); c.2913G>A, p.Ala971= (NM_130393.3).
Identifiers: ClinVar variation 3043126 (VCV003043126.3), dbSNP rs201122675, ClinGen allele CA4983457.

ClinVar aggregate classification (germline): Likely benign. Review status: criteria provided, single submitter (1 of 4 stars). 2 submissions from 2 submitters: Likely benign (1). 1 of the submissions does not count toward it. Last evaluated 2026-07-01.

Conditions:
PTPRD-related disorder. Also called: PTPRD-related condition.

Allele frequency attached by ClinVar (database versions not stated): gnomAD exomes 0.00008; TOPMed 0.00009; gnomAD 0.00014; 1000 Genomes Project 0.00040; 1000 Genomes Project 30x 0.00031; ExAC 0.00008.
gnomAD v4.1: 142 of 1,613,520 alleles (0.0088%); highest among the groups gnomAD compares: Admixed American, 0.037%; no homozygotes.

Submissions (2):

Ambry Genetics
Classification: Likely benign. Last evaluated: 2026-07-01. Review status: criteria provided, single submitter. Criteria: Ambry Variant Classification Scheme 2023. Collection method: clinical testing. Allele origin: germline.

PreventionGenetics, part of Exact Sciences
Classification: Likely benign for PTPRD-related condition. Last evaluated: 2019-06-21. Review status: no assertion criteria provided. Collection method: clinical testing. Allele origin: germline. Not counted in ClinVar's aggregate classification.
Comment: This variant is classified as likely benign based on ACMG/AMP sequence variant interpretation guidelines (Richards et al. 2015 PMID: 25741868, with internal and published modifications).